The following is an entry in ClinVar:

NM_002890.3(RASA1):c.1685C>A (p.Pro562Gln)

Genes: CCNH (cyclin H; minus strand), RASA1 (RAS p21 protein activator 1; plus strand). Cytogenetic location: 5q14.3.
Variant type: single nucleotide variant.
Coding change: c.1685C>A on transcript NM_002890.3 (MANE Select); coding-DNA position 1685, C replaced by A.
Protein change: p.Pro562Gln; replaces proline 562 with glutamine.
Molecular consequence: missense variant. On other transcripts: intron variant (1).
Genome position (GRCh38, 1-based): chr5:87,369,887, C>A. VCF-style: chr5-87369887-C-A. GRCh37 (hg19) VCF-style: chr5-86665704-C-A.
Other names: p.Pro562Gln; c.1154C>A, p.Pro385Gln (NM_022650.3); c.933+25157G>T (NM_001364075.2); short protein forms P385Q, P562Q.
Identifiers: ClinVar variation 2568110 (VCV002568110.2), dbSNP rs760475694, ClinGen allele CA3335812.
Genomic context (GRCh38, chr5:87,369,887, plus strand): 5'-AGATAGTAGTTCAGCACTTTAGTGAAGAACATTACATCTTTTACTTTGCAGGAGAAACTC[C>A]AGAACAAGCAGAGGTAAGATTACTGTTTCTCAAACTACAGTATACTTTTATGTTAGCCCA-3'
Protein context (NP_002881.1, residues 552-572): HYIFYFAGET[Pro562Gln]EQAEDWMKGL

ClinVar aggregate classification (germline): Uncertain significance. Review status: criteria provided, multiple submitters, no conflicts (2 of 4 stars). 3 submissions from 3 submitters: Uncertain significance (3). Last evaluated 2025-07-12.

Conditions:
Cardiovascular phenotype. Identifiers: MedGen CN230736.
Capillary malformation-arteriovenous malformation syndrome. Also called: Capillary malformation-arteriovenous malformation. Identifiers: Orphanet 137667, MedGen C1842180, MONDO:0012016.

Allele frequency attached by ClinVar (database versions not stated): ExAC 0.00001; gnomAD exomes below 0.00001.
gnomAD v4.1: 3 of 1,606,406 alleles (0.00019%); highest among the groups gnomAD compares: South Asian, 0.0033%; no homozygotes.

Submissions (3):

Mayo Clinic Laboratories, Mayo Clinic
Classification: Uncertain significance. Last evaluated: 2025-07-12. Review status: criteria provided, single submitter. Criteria: ACMG Guidelines, 2015. Collection method: clinical testing. Allele origin: germline. Observed: 1 variant allele.
Comment: BP4, PP2

Labcorp Genetics (formerly Invitae), Labcorp
Classification: Uncertain significance for Capillary malformation-arteriovenous malformation syndrome. Last evaluated: 2025-06-29. Review status: criteria provided, single submitter. Criteria: Invitae Variant Classification Sherloc (09022015). Collection method: clinical testing. Allele origin: germline.
Comment: This sequence change replaces proline, which is neutral and non-polar, with glutamine, which is neutral and polar, at codon 562 of the RASA1 protein (p.Pro562Gln). This variant is present in population databases (rs760475694, gnomAD 0.003%). This variant has not been reported in the literature in individuals affected with RASA1-related conditions. ClinVar contains an entry for this variant (Variation ID: 2568110). An algorithm developed to predict the effect of missense changes on protein structure and function (PolyPhen-2) suggests that this variant is likely to be tolerated. In summary, the available evidence is currently insufficient to determine the role of this variant in disease. Therefore, it has been classified as a Variant of Uncertain Significance.

Ambry Genetics
Classification: Uncertain significance for Cardiovascular phenotype. Last evaluated: 2023-05-07. Review status: criteria provided, single submitter. Criteria: Ambry Variant Classification Scheme 2023. Collection method: clinical testing. Allele origin: germline.
Comment: The p.P562Q variant (also known as c.1685C>A), located in coding exon 12 of the RASA1 gene, results from a C to A substitution at nucleotide position 1685. The proline at codon 562 is replaced by glutamine, an amino acid with similar properties. This amino acid position is conserved. In addition, this alteration is predicted to be tolerated by in silico analysis. Since supporting evidence is limited at this time, the clinical significance of this alteration remains unclear.